The following is an entry in ClinVar:

NM_000304.4(PMP22):c.235T>C (p.Ser79Pro)

Gene: PMP22 (peripheral myelin protein 22; minus strand). Cytogenetic location: 17p12.
Variant type: single nucleotide variant.
Coding change: c.235T>C on transcript NM_000304.4 (MANE Select); coding-DNA position 235, T replaced by C.
Protein change: p.Ser79Pro; replaces serine 79 with proline.
Molecular consequence: missense variant. On other transcripts: non-coding transcript variant (2).
Genome position (GRCh38, 1-based): chr17:15,239,555, A>G on the plus strand (T>C on the coding strand, the complement: PMP22 is on the minus strand). VCF-style: chr17-15239555-A-G. GRCh37 (hg19) VCF-style: chr17-15142872-A-G.
Other names: c.235T>C, p.Ser79Pro (NM_001281455.2, NM_001281456.2, NM_001330143.2 and 2 more transcripts); short protein forms S79P.
Identifiers: ClinVar variation 637822 (VCV000637822.4), dbSNP rs863225027, ClinGen allele CA398268103.

ClinVar aggregate classification (germline): Pathogenic. Review status: criteria provided, single submitter (1 of 4 stars). 2 submissions from 2 submitters: Pathogenic (1). 1 of the submissions does not count toward it. Last evaluated 2023-12-20.

Conditions:
Charcot-Marie-Tooth disease, type I (CMT1). Also called: Charcot-Marie-Tooth disease type 1; Charcot-Marie-Tooth, Type 1. Identifiers: Orphanet 65753, MedGen C0751036, MONDO:0019011.
Dejerine-Sottas disease. Also called: Charcot-Marie-Tooth disease type 3; HMSN Type III; HEREDITARY MOTOR AND SENSORY NEUROPATHY TYPE III; DEJERINE-SOTTAS NEUROPATHY; Hereditary motor and sensory neuropathy 3. Identifiers: Orphanet 64748, MedGen C0011195, MONDO:0007790, OMIM 145900.

Submissions (2):

Labcorp Genetics (formerly Invitae), Labcorp
Classification: Pathogenic for Charcot-Marie-Tooth disease, type I. Last evaluated: 2023-12-20. Review status: criteria provided, single submitter. Criteria: Invitae Variant Classification Sherloc (09022015). Collection method: clinical testing. Allele origin: germline.
Comment: This sequence change replaces serine, which is neutral and polar, with proline, which is neutral and non-polar, at codon 79 of the PMP22 protein (p.Ser79Pro). This variant is not present in population databases (gnomAD no frequency). This missense change has been observed in individual(s) with Dejerine-Sottas syndrome or Charcot-Marie-Tooth disease (PMID: 9452053, 32719652). In at least one individual the variant was observed to be de novo. ClinVar contains an entry for this variant (Variation ID: 637822). Advanced modeling of protein sequence and biophysical properties (such as structural, functional, and spatial information, amino acid conservation, physicochemical variation, residue mobility, and thermodynamic stability) performed at Invitae indicates that this missense variant is expected to disrupt PMP22 protein function with a positive predictive value of 95%. This variant disrupts the p.Ser79 amino acid residue in PMP22. Other variant(s) that disrupt this residue have been determined to be pathogenic (PMID: 22006697; Invitae). This suggests that this residue is clinically significant, and that variants that disrupt this residue are likely to be disease-causing. For these reasons, this variant has been classified as Pathogenic.

Inherited Neuropathy Consortium
Classification: Uncertain significance for Dejerine-Sottas disease. Review status: no assertion criteria provided. Collection method: literature only. Allele origin: germline. Affected: yes. Not counted in ClinVar's aggregate classification.

Literature cited by the submitters: PubMed 9452053 (cited by Labcorp Genetics (formerly Invitae), Labcorp and Inherited Neuropathy Consortium); PubMed 32719652 (cited by Labcorp Genetics (formerly Invitae), Labcorp); PubMed 22006697 (cited by Labcorp Genetics (formerly Invitae), Labcorp).